The following is an entry in ClinVar:

NM_003172.4(SURF1):c.335T>C (p.Leu112Pro)

Gene: SURF1 (SURF1 cytochrome c oxidase assembly factor; minus strand). Cytogenetic location: 9q34.2.
Variant type: single nucleotide variant.
Coding change: c.335T>C on transcript NM_003172.4 (MANE Select); coding-DNA position 335, T replaced by C.
Protein change: p.Leu112Pro; replaces leucine 112 with proline.
Molecular consequence: missense variant.
Genome position (GRCh38, 1-based): chr9:133,353,929, A>G on the plus strand (T>C on the coding strand, the complement: SURF1 is on the minus strand). VCF-style: chr9-133353929-A-G. GRCh37 (hg19) VCF-style: chr9-136220784-A-G.
Other names: c.8T>C, p.Leu3Pro (NM_001280787.1); c.335T>C (NM_003172.2); short protein forms L112P, L3P.
Identifiers: ClinVar variation 1505526 (VCV001505526.4), dbSNP rs782811025, ClinGen allele CA200833085.

ClinVar aggregate classification (germline): Uncertain significance. Review status: criteria provided, multiple submitters, no conflicts (2 of 4 stars). 2 submissions from 2 submitters: Uncertain significance (2). Last evaluated 2022-12-21.

Conditions:
Inborn genetic diseases. Identifiers: MedGen C0950123, MeSH D030342.
Leigh syndrome (NULS). Also called: Subacute necrotizing encephalopathy; Necrotizing encephalopathy infantile subacute of Leigh; Leigh's necrotizing encephalopathy; Leigh's disease; Leigh Syndrome (mtDNA deletion); LEIGH SYNDROME, NUCLEAR. Identifiers: Orphanet 506, MedGen C2931891, MONDO:0009723, OMIM 256000.

Allele frequency attached by ClinVar (database versions not stated): gnomAD exomes below 0.00001; gnomAD 0.00001; TOPMed 0.00001.
gnomAD v4.1: 5 of 1,613,756 alleles (0.00031%); highest among the groups gnomAD compares: Non-Finnish European, 0.00042%; no homozygotes.

Submissions (2):

Ambry Genetics
Classification: Uncertain significance for Inborn genetic diseases. Last evaluated: 2022-12-21. Review status: criteria provided, single submitter. Criteria: Ambry Variant Classification Scheme 2023. Collection method: clinical testing. Allele origin: germline.

Labcorp Genetics (formerly Invitae), Labcorp
Classification: Uncertain significance for Leigh syndrome. Last evaluated: 2022-07-06. Review status: criteria provided, single submitter. Criteria: Invitae Variant Classification Sherloc (09022015). Collection method: clinical testing. Allele origin: germline.
Comment: This sequence change replaces leucine, which is neutral and non-polar, with proline, which is neutral and non-polar, at codon 112 of the SURF1 protein (p.Leu112Pro). This variant is present in population databases (rs782811025, gnomAD 0.0009%). This variant has not been reported in the literature in individuals affected with SURF1-related conditions. ClinVar contains an entry for this variant (Variation ID: 1505526). Algorithms developed to predict the effect of missense changes on protein structure and function are either unavailable or do not agree on the potential impact of this missense change (SIFT: "Deleterious"; PolyPhen-2: "Probably Damaging"; Align-GVGD: "Class C0"). In summary, the available evidence is currently insufficient to determine the role of this variant in disease. Therefore, it has been classified as a Variant of Uncertain Significance.